The following is an entry in ClinVar:

ClinVar aggregate classification (germline): Uncertain significance. Review status: criteria provided, multiple submitters, no conflicts (2 of 4 stars). 9 submissions from 8 submitters: Uncertain significance (6). 3 of the submissions do not count toward it. Last evaluated 2025-07-24.

Conditions:
Hereditary cancer-predisposing syndrome. Also called: Hereditary neoplastic syndrome; Neoplastic Syndromes, Hereditary; Hereditary Cancer Syndrome; Tumor predisposition. Identifiers: Orphanet 140162, MedGen C0027672, MeSH D009386, MONDO:0015356.
Multiple endocrine neoplasia, type 2 (MEN2). Identifiers: Orphanet 653, MedGen C4048306, MONDO:0019003. Disease mechanism: gain of function.
Multiple endocrine neoplasia type 2B. Also called: Multiple endocrine neoplasia, type 3; MEN 2B; WAGENMANN-FROBOESE SYNDROME; MULTIPLE ENDOCRINE NEOPLASIA, TYPE III; MUCOSAL NEUROMA SYNDROME; MULTIPLE ENDOCRINE NEOPLASIA, TYPE IIB. Identifiers: Orphanet 247709, Orphanet 653, MedGen C0025269, MeSH D018814, MONDO:0008082, OMIM 162300.
Multiple endocrine neoplasia type 2A. Also called: MULTIPLE ENDOCRINE NEOPLASIA, TYPE IIA; PTC SYNDROME; SIPPLE SYNDROME; MEN 2A; MEN-2A syndrome; Pheochromocytoma and amyloid producing medullary thyroid carcinoma. Identifiers: Orphanet 247698, Orphanet 653, MedGen C0025268, MeSH D018813, MONDO:0008234, OMIM 171400.

Allele frequency attached by ClinVar (database versions not stated): gnomAD exomes 0.00002 and 0.00001; gnomAD 0.00003 and 0.00004; TOPMed 0.00004; ExAC 0.00001.
gnomAD v4.1: 28 of 1,614,130 alleles (0.0017%); highest among the groups gnomAD compares: African/African-American, 0.0053%; no homozygotes.

Submissions (9):

Quest Diagnostics Nichols Institute San Juan Capistrano
Classification: Uncertain significance. Last evaluated: 2025-07-24. Review status: criteria provided, single submitter. Criteria: Quest Diagnostics criteria. Collection method: clinical testing. Allele origin: unknown.

Labcorp Genetics (formerly Invitae), Labcorp
Classification: Uncertain significance for Multiple endocrine neoplasia, type 2. Last evaluated: 2024-12-30. Review status: criteria provided, single submitter. Criteria: Invitae Variant Classification Sherloc (09022015). Collection method: clinical testing. Allele origin: germline.
Comment: This sequence change replaces threonine, which is neutral and polar, with isoleucine, which is neutral and non-polar, at codon 170 of the RET protein (p.Thr170Ile). This variant is present in population databases (rs200547906, gnomAD 0.004%). This variant has not been reported in the literature in individuals affected with RET-related conditions. ClinVar contains an entry for this variant (Variation ID: 41844). An algorithm developed to predict the effect of missense changes on protein structure and function (PolyPhen-2) suggests that this variant is likely to be tolerated. In summary, the available evidence is currently insufficient to determine the role of this variant in disease. Therefore, it has been classified as a Variant of Uncertain Significance.

Ambry Genetics
Classification: Uncertain significance for Hereditary cancer-predisposing syndrome. Last evaluated: 2024-02-28. Review status: criteria provided, single submitter. Criteria: Ambry Variant Classification Scheme 2023. Collection method: clinical testing. Allele origin: germline.
Comment: The p.T170I variant (also known as c.509C>T), located in coding exon 3 of the RET gene, results from a C to T substitution at nucleotide position 509. The threonine at codon 170 is replaced by isoleucine, an amino acid with similar properties. This variant was detected as a secondary finding in one out of 572 ClinSeq participants, unselected for personal or family history of cancer, who underwent exome sequencing; however, the clinical information for this particular individual was not provided (Johnston JJ et al. Am J Hum Genet, 2012 Jul;91:97-108). This amino acid position is not well conserved in available vertebrate species. In addition, this alteration is predicted to be tolerated by in silico analysis. Since supporting evidence is limited at this time, the clinical significance of this alteration remains unclear.

Color Diagnostics, LLC DBA Color Health
Classification: Uncertain significance for Multiple endocrine neoplasia, type 2. Last evaluated: 2024-02-15. Review status: criteria provided, single submitter. Criteria: ACMG Guidelines, 2015. Collection method: clinical testing. Allele origin: germline.
Comment: This missense variant replaces threonine with isoleucine at codon 170 of the RET protein. Computational prediction suggests that this variant may not impact protein structure and function. To our knowledge, functional studies have not been reported for this variant. This variant has not been reported in individuals affected with RET-related disorders in the literature. This variant has been identified in 3/282834 chromosomes in the general population by the Genome Aggregation Database (gnomAD). The available evidence is insufficient to determine the role of this variant in disease conclusively. Therefore, this variant is classified as a Variant of Uncertain Significance.

GeneDx
Classification: Uncertain significance. Last evaluated: 2023-12-29. Review status: criteria provided, single submitter. Criteria: GeneDx Variant Classification Process June 2021. Collection method: clinical testing. Allele origin: germline. Affected: yes.
Comment: Not observed at significant frequency in large population cohorts (gnomAD); In silico analysis supports that this missense variant does not alter protein structure/function; Observed in an individual with atherosclerosis undergoing whole exome sequencing (PMID: 22703879); This variant is associated with the following publications: (PMID: 14633923, 22703879)

All of Us Research Program, National Institutes of Health
Classification: Uncertain significance for Multiple endocrine neoplasia, type 2. Last evaluated: 2023-12-01. Review status: criteria provided, single submitter. Criteria: ACMG Guidelines, 2015. Collection method: clinical testing. Allele origin: germline. Inheritance: Autosomal dominant inheritance. Observed: 2 variant alleles, 2 heterozygotes.
Comment: This study involves interpretation of variants in research participants for the purpose of population health screening. Participant phenotype was not available at the time of variant classification. Additional details can be found in publication PMID: 35346344, PMCID: PMC8962531

Counsyl
Classification: Uncertain significance for Multiple endocrine neoplasia type 2B. Last evaluated: 2016-07-28. Review status: no assertion criteria provided. Collection method: clinical testing. Allele origin: unknown. Not counted in ClinVar's aggregate classification.

Counsyl
Classification: Uncertain significance for Multiple endocrine neoplasia type 2A. Last evaluated: 2016-07-28. Review status: no assertion criteria provided. Collection method: clinical testing. Allele origin: unknown. Not counted in ClinVar's aggregate classification.

Biesecker Lab/Clinical Genomics Section, National Institutes of Health
Classification: Uncertain significance. Last evaluated: 2012-07-13. Review status: no assertion criteria provided. Collection method: research. Allele origin: germline. Affected: no. Observed: 1 variant allele. Study: ClinSeq. Not counted in ClinVar's aggregate classification.
ClinVar note: Converted during submission from variant of unknown significance to Uncertain significance.

NM_020975.6(RET):c.509C>T (p.Thr170Ile)

Gene: RET (ret proto-oncogene; plus strand). Cytogenetic location: 10q11.21.
Variant type: single nucleotide variant.
Coding change: c.509C>T on transcript NM_020975.6 (MANE Select); coding-DNA position 509, C replaced by T.
Protein change: p.Thr170Ile; replaces threonine 170 with isoleucine.
Molecular consequence: missense variant.
Genome position (GRCh38, 1-based): chr10:43,102,513, C>T. VCF-style: chr10-43102513-C-T. GRCh37 (hg19) VCF-style: chr10-43597961-C-T.
Other names: c.509C>T, p.Thr170Ile (NM_000323.2, NM_001406743.1, NM_001406744.1 and 16 more transcripts); c.380C>T, p.Thr127Ile (NM_001406761.1, NM_001406762.1, NM_001406764.1 and 4 more transcripts); short protein forms T170I, T127I.
Identifiers: ClinVar variation 41844 (VCV000041844.22), dbSNP rs200547906, ClinGen allele CA009269.
Genomic context (GRCh38, chr10:43,102,513, plus strand): 5'-TCAACACCTCCTTTCCAGCCTGCAGCTCCCTCAAGCCCCGGGAGCTCTGCTTCCCAGAGA[C>T]AAGGCCCTCCTTCCGCATTCGGGAGAACCGACCCCCAGGCACCTTCCACCAGTTCCGCCT-3'
Protein context (NP_066124.1, residues 160-180): LKPRELCFPE[Thr170Ile]RPSFRIRENR